The following is an entry in ClinVar:

NM_206933.4(USH2A):c.5619C>T (p.Val1873=)

Genes: USH2A (usherin; minus strand), USH2A-AS2 (USH2A antisense RNA 2; plus strand). Cytogenetic location: 1q41.
Variant type: single nucleotide variant.
Coding change: c.5619C>T on transcript NM_206933.4 (MANE Select); coding-DNA position 5619, C replaced by T.
Protein change: p.Val1873=; no amino-acid change (valine 1873 retained).
Molecular consequence: synonymous variant.
Genome position (GRCh38, 1-based): chr1:216,073,254, G>A on the plus strand (C>T on the coding strand, the complement: USH2A is on the minus strand). VCF-style: chr1-216073254-G-A. GRCh37 (hg19) VCF-style: chr1-216246596-G-A.
Other names: c.5619C>T (NM_206933.2).
Identifiers: ClinVar variation 288917 (VCV000288917.15), dbSNP rs138416665, ClinGen allele CA1395399.
Genomic context (GRCh38, chr1:216,073,254, plus strand): 5'-TGATAGGCATCCATCCAGATTGACTCTGACAGCACCGCTGGACACAGATGCCAAGTTAAC[G>A]ACAGCACCCCGTGTAAATTTAACATCCTTCATGCAACCACCGAAACCTAGCAAATAGTAA-3'
Protein context (NP_996816.3, residues 1863-1883): MKDVKFTRGA[Val1873=]VNLASVSSGA

ClinVar aggregate classification (germline): Conflicting classifications of pathogenicity. Review status: criteria provided, conflicting classifications (1 of 4 stars). 5 submissions from 5 submitters: Uncertain significance (1); Likely benign (4). Last evaluated 2025-03-24.

Conditions:
USH2A-related disorder. Also called: USH2A-related disorders; USH2A-related condition. Identifiers: MedGen CN239332.
Retinal dystrophy. Also called: Inherited retinal dystrophy. Identifiers: Orphanet 71862, MedGen C0854723, MeSH D058499, MONDO:0019118, HP:0000556.

Allele frequency attached by ClinVar (database versions not stated): TOPMed 0.00003; ESP Exome Variant Server 0.00008; gnomAD exomes 0.00009 and 0.00018; ExAC 0.00010; 1000 Genomes Project 30x 0.00016; gnomAD 0.00018 and 0.00019; 1000 Genomes Project 0.00020.
gnomAD v4.1: 156 of 1,613,748 alleles (0.0097%); highest among the groups gnomAD compares: Middle Eastern, 0.017%; no homozygotes.

Submissions (5):

PreventionGenetics, part of Exact Sciences
Classification: Likely benign for USH2A-related condition. Last evaluated: 2025-03-24. Review status: criteria provided, single submitter. Criteria: ACMG Guidelines, 2015. Collection method: clinical testing. Allele origin: germline.
Comment: This variant is classified as likely benign based on ACMG/AMP sequence variant interpretation guidelines (Richards et al. 2015 PMID: 25741868, with internal and published modifications).

Blueprint Genetics
Classification: Likely benign. Last evaluated: 2024-08-30. Review status: criteria provided, single submitter. Criteria: ACMG Guidelines, 2015. Collection method: clinical testing. Allele origin: germline.

Dept Of Ophthalmology, Nagoya University
Classification: Likely benign for Retinal dystrophy. Last evaluated: 2023-10-01. Review status: criteria provided, single submitter. Criteria: Submitter's publication. Collection method: research. Allele origin: germline. Affected: yes.

Labcorp Genetics (formerly Invitae), Labcorp
Classification: Likely benign. Last evaluated: 2023-09-04. Review status: criteria provided, single submitter. Criteria: Invitae Variant Classification Sherloc (09022015). Collection method: clinical testing. Allele origin: germline.

Eurofins Ntd Llc (ga)
Classification: Uncertain significance. Last evaluated: 2016-07-12. Review status: criteria provided, single submitter. Criteria: EGL Classification Definitions 2015. Collection method: clinical testing. Allele origin: germline. Observed: 1 variant allele, 1 heterozygote.